The following is an entry in ClinVar:

ClinVar aggregate classification (germline): Likely benign (0 of 4 stars; one submission).

Conditions:
BCL11B-related disorder. Also called: BCL11B-Related Disorders.

Allele frequency attached by ClinVar (database versions not stated): ExAC 0.00002; gnomAD 0.00005; TOPMed 0.00006; 1000 Genomes Project 30x 0.00016; 1000 Genomes Project 0.00020.
gnomAD v4.1: 74 of 1,610,910 alleles (0.0046%); highest among the groups gnomAD compares: Admixed American, 0.027%; no homozygotes.

Submission:

PreventionGenetics, part of Exact Sciences
Classification: Likely benign for BCL11B-related condition. Last evaluated: 2019-04-25. Review status: no assertion criteria provided. Collection method: clinical testing. Allele origin: germline.
Comment: This variant is classified as likely benign based on ACMG/AMP sequence variant interpretation guidelines (Richards et al. 2015 PMID: 25741868, with internal and published modifications).

NM_138576.4(BCL11B):c.*2C>T

Gene: BCL11B (BCL11 transcription factor B; minus strand). Cytogenetic location: 14q32.2.
Variant type: single nucleotide variant.
Coding change: c.*2C>T on transcript NM_138576.4 (MANE Select); 2 bases downstream of the stop codon, C replaced by T.
Molecular consequence: 3 prime UTR variant.
Genome position (GRCh38, 1-based): chr14:99,174,149, G>A on the plus strand (C>T on the coding strand, the complement: BCL11B is on the minus strand). VCF-style: chr14-99174149-G-A. GRCh37 (hg19) VCF-style: chr14-99640486-G-A.
Other names: c.*2C>T (NM_001282237.2, NM_001282238.2, NM_022898.3).
Identifiers: ClinVar variation 3057441 (VCV003057441.2), dbSNP rs575421828, ClinGen allele CA7339466.